The following is an entry in ClinVar:

NM_022167.4(XYLT2):c.1500del (p.Phe501fs)

Gene: XYLT2 (xylosyltransferase 2; plus strand). Cytogenetic location: 17q21.33.
Variant type: Deletion.
Coding change: c.1500del on transcript NM_022167.4 (MANE Select); coding-DNA position 1500, one base deleted (C; older notation c.1500delC).
Protein change: p.Phe501fs; shifts the reading frame from phenylalanine 501.
Molecular consequence: frameshift variant.
Genome position (GRCh38, 1-based): chr17:50,356,528, C deleted; the last of 2 consecutive C bases (chr17:50,356,527-50,356,528); deleting either gives the same sequence. VCF-style (leftmost placement, unchanged base first): chr17-50356526-AC-A. GRCh37 (hg19) VCF-style: chr17-48433887-AC-A.
Other names: short protein forms F501fs.
Identifiers: ClinVar variation 3654325 (VCV003654325.2).

ClinVar aggregate classification (germline): Pathogenic (1 of 4 stars; one submission).

Submission:

Labcorp Genetics (formerly Invitae), Labcorp
Classification: Pathogenic. Last evaluated: 2024-07-15. Review status: criteria provided, single submitter. Criteria: Invitae Variant Classification Sherloc (09022015). Collection method: clinical testing. Allele origin: germline.
Comment: This sequence change creates a premature translational stop signal (p.Phe501Serfs*10) in the XYLT2 gene. It is expected to result in an absent or disrupted protein product. Loss-of-function variants in XYLT2 are known to be pathogenic (PMID: 26027496, 26987875). This variant is not present in population databases (gnomAD no frequency). This variant has not been reported in the literature in individuals affected with XYLT2-related conditions. For these reasons, this variant has been classified as Pathogenic.

Literature cited by the submitters: PubMed 26027496; PubMed 26987875.